The following is an entry in ClinVar:

NM_002693.3(POLG):c.2040G>A (p.Leu680=)

Gene: POLG (DNA polymerase gamma, catalytic subunit; minus strand). Cytogenetic location: 15q26.1.
Variant type: single nucleotide variant.
Coding change: c.2040G>A on transcript NM_002693.3 (MANE Select); coding-DNA position 2040, G replaced by A.
Protein change: p.Leu680=; no amino-acid change (leucine 680 retained).
Molecular consequence: synonymous variant.
Genome position (GRCh38, 1-based): chr15:89,324,137, C>T on the plus strand (G>A on the coding strand, the complement: POLG is on the minus strand). VCF-style: chr15-89324137-C-T. GRCh37 (hg19) VCF-style: chr15-89867368-C-T.
Other names: p.Leu680=; c.2040G>A, p.Leu680= (NM_001126131.2).
Identifiers: ClinVar variation 888219 (VCV000888219.27), dbSNP rs367740265, ClinGen allele CA7724612.

ClinVar aggregate classification (germline): Conflicting classifications of pathogenicity. Review status: criteria provided, conflicting classifications (1 of 4 stars). 7 submissions from 7 submitters: Uncertain significance (2); Benign (1); Likely benign (3). 1 of the submissions does not count toward it. Last evaluated 2025-06-24.

Conditions:
Progressive sclerosing poliodystrophy (MTDPS4A). Also called: Mitochondrial DNA Depletion Syndrome 4A; Alpers-Huttenlocher Syndrome (AHS); ALPERS PROGRESSIVE INFANTILE POLIODYSTROPHY; ALPERS DIFFUSE DEGENERATION OF CEREBRAL GRAY MATTER WITH HEPATIC CIRRHOSIS; Alpers-Huttenlocher Syndrome; NEURONAL DEGENERATION OF CHILDHOOD WITH LIVER DISEASE, PROGRESSIVE. Identifiers: Orphanet 726, MedGen C0205710, MONDO:0008758, OMIM 203700.
POLG-related disorder. Also called: POLG-Related Spectrum Disorders; POLG-related condition; POLG-Related Disorders. Identifiers: MedGen C4763519.

Allele frequency attached by ClinVar (database versions not stated): gnomAD exomes below 0.00001 and 0.00002; gnomAD 0.00001 and 0.00002; TOPMed 0.00001; ExAC 0.00002; 1000 Genomes Project 30x 0.00031; 1000 Genomes Project 0.00040.
gnomAD v4.1: 17 of 1,614,074 alleles (0.0011%); highest among the groups gnomAD compares: East Asian, 0.011%; no homozygotes.

Submissions (7):

Labcorp Genetics (formerly Invitae), Labcorp
Classification: Likely benign for Progressive sclerosing poliodystrophy. Last evaluated: 2025-06-24. Review status: criteria provided, single submitter. Criteria: Invitae Variant Classification Sherloc (09022015). Collection method: clinical testing. Allele origin: germline.

CeGaT Center for Human Genetics Tuebingen
Classification: Uncertain significance. Last evaluated: 2025-06-01. Review status: criteria provided, single submitter. Criteria: CeGaT Center For Human Genetics Tuebingen Variant Classification Criteria Version 2. Collection method: clinical testing. Allele origin: germline. Affected: yes. Observed: 1 variant allele.
Comment: POLG: PM2, BP4

Mayo Clinic Laboratories, Mayo Clinic
Classification: Likely benign. Last evaluated: 2025-05-06. Review status: criteria provided, single submitter. Criteria: ACMG Guidelines, 2015. Collection method: clinical testing. Allele origin: germline. Observed: 2 variant alleles.
Comment: BP4, BP7

Blueprint Genetics
Classification: Likely benign. Last evaluated: 2024-02-09. Review status: criteria provided, single submitter. Criteria: ACMG Guidelines, 2015. Collection method: clinical testing. Allele origin: germline.

Illumina Laboratory Services, Illumina
Classification: Uncertain significance for POLG-Related Spectrum Disorders. Last evaluated: 2018-01-12. Review status: criteria provided, single submitter. Criteria: ICSL Variant Classification Criteria 13 December 2019. Collection method: clinical testing. Allele origin: germline.

GeneDx
Classification: Benign. Last evaluated: 2015-03-03. Review status: criteria provided, single submitter. Criteria: GeneDx Variant Classification Process June 2021. Collection method: clinical testing. Allele origin: germline. Affected: yes.

PreventionGenetics, part of Exact Sciences
Classification: Likely benign for POLG-related condition. Last evaluated: 2022-06-27. Review status: no assertion criteria provided. Collection method: clinical testing. Allele origin: germline. Not counted in ClinVar's aggregate classification.
Comment: This variant is classified as likely benign based on ACMG/AMP sequence variant interpretation guidelines (Richards et al. 2015 PMID: 25741868, with internal and published modifications).